The following is an entry in ClinVar:

ClinVar aggregate classification (germline): Uncertain significance (1 of 4 stars; one submission).

Conditions:
Severe combined immunodeficiency due to DNA-PKcs deficiency. Also called: IMMUNODEFICIENCY 26 WITH NEUROLOGIC ABNORMALITIES; Immunodeficiency 26 with or without neurologic abnormalities. Identifiers: Orphanet 317425, MedGen C4014833, MONDO:0014423, OMIM 615966.

Submission:

Labcorp Genetics (formerly Invitae), Labcorp
Classification: Uncertain significance for Severe combined immunodeficiency due to DNA-PKcs deficiency. Last evaluated: 2022-06-29. Review status: criteria provided, single submitter. Criteria: Invitae Variant Classification Sherloc (09022015). Collection method: clinical testing. Allele origin: germline.
Comment: In summary, the available evidence is currently insufficient to determine the role of this variant in disease. Therefore, it has been classified as a Variant of Uncertain Significance. This variant has not been reported in the literature in individuals affected with PRKDC-related conditions. This variant results in a copy number gain of the genomic region encompassing exon(s) 1-49 of the PRKDC gene. This region includes the initiator codon of the gene. This copy number gain extends beyond the assayed region for this gene and therefore may encompass additional genes. As the precise location of this event is unknown, it may be in tandem or it may be located elsewhere in the genome.

NC_000008.10:g.(?_48769697)_(48889338_?)dup

Genes: MCM4 (minichromosome maintenance complex component 4; plus strand), PRKDC (protein kinase, DNA-activated, catalytic subunit; minus strand). Cytogenetic location: 8q11.21.
Variant type: Duplication.
Identifiers: ClinVar variation 1450229 (VCV001450229.5).